The following is an entry in ClinVar:

NM_024111.6(CHAC1):c.279G>A (p.Trp93Ter)

Gene: CHAC1 (ChaC glutathione specific gamma-glutamylcyclotransferase 1; plus strand). Cytogenetic location: 15q15.1.
Variant type: single nucleotide variant.
Coding change: c.279G>A on transcript NM_024111.6 (MANE Select); coding-DNA position 279, G replaced by A.
Protein change: p.Trp93Ter; replaces tryptophan 93 with a stop codon.
Molecular consequence: nonsense.
Genome position (GRCh38, 1-based): chr15:40,955,384, G>A. VCF-style: chr15-40955384-G-A. GRCh37 (hg19) VCF-style: chr15-41247582-G-A.
Other names: c.279G>A, p.Trp93Ter (NM_001142776.4); short protein forms W93*.
Identifiers: ClinVar variation 161528 (VCV000161528.2), dbSNP rs193920914, ClinGen allele CA174270.

ClinVar aggregate classification (germline): Uncertain significance (0 of 4 stars; one submission).

Conditions:
Prostate cancer. Also called: Malignant tumor of prostate. Identifiers: Orphanet 1331, MedGen C0376358, MONDO:0008315, HP:0012125.

Submission:

Science for Life laboratory,  Karolinska Institutet
Classification: Uncertain significance for Malignant tumor of prostate. Review status: no assertion criteria provided. Collection method: not provided. Allele origin: somatic.
Comment: TumorID:SWE-19
ClinVar note: Converted during submission from Unknown to Uncertain significance.